The following is an entry in ClinVar:

NM_000965.5(RARB):c.422G>T (p.Cys141Phe)

Gene: RARB (retinoic acid receptor beta; plus strand). Cytogenetic location: 3p24.2.
Variant type: single nucleotide variant.
Coding change: c.422G>T on transcript NM_000965.5 (MANE Select); coding-DNA position 422, G replaced by T.
Protein change: p.Cys141Phe; replaces cysteine 141 with phenylalanine.
Molecular consequence: missense variant. On other transcripts: non-coding transcript variant (2).
Genome position (GRCh38, 1-based): chr3:25,501,297, G>T. VCF-style: chr3-25501297-G-T. GRCh37 (hg19) VCF-style: chr3-25542788-G-T.
Other names: c.443G>T, p.Cys148Phe (NM_001290216.3); c.86G>T, p.Cys29Phe (NM_001290217.2, NM_001290276.2, NM_016152.4); c.275G>T, p.Cys92Phe (NM_001290266.2); c.422G>T, p.Cys141Phe (NM_001290277.1); c.293G>T, p.Cys98Phe (NM_001290300.2); short protein forms C141F, C148F, C29F, C92F, C98F.
Identifiers: ClinVar variation 3370843 (VCV003370843.1).

ClinVar aggregate classification (germline): Uncertain significance (1 of 4 stars; one submission).

Submission:

GeneDx
Classification: Uncertain significance. Last evaluated: 2024-03-13. Review status: criteria provided, single submitter. Criteria: GeneDx Variant Classification Process June 2021. Collection method: clinical testing. Allele origin: germline. Affected: yes.
Comment: Not observed at significant frequency in large population cohorts (gnomAD); In silico analysis supports that this missense variant has a deleterious effect on protein structure/function; Has not been previously published as pathogenic or benign to our knowledge